The following is an entry in ClinVar:

NM_019594.4(LRRC8A):c.97A>G (p.Ile33Val)

Gene: LRRC8A (leucine rich repeat containing 8 VRAC subunit A; plus strand). Cytogenetic location: 9q34.11.
Variant type: single nucleotide variant.
Coding change: c.97A>G on transcript NM_019594.4 (MANE Select); coding-DNA position 97, A replaced by G.
Protein change: p.Ile33Val; replaces isoleucine 33 with valine.
Molecular consequence: missense variant.
Genome position (GRCh38, 1-based): chr9:128,907,261, A>G. VCF-style: chr9-128907261-A-G. GRCh37 (hg19) VCF-style: chr9-131669540-A-G.
Other names: c.97A>G, p.Ile33Val (NM_001127245.2, NM_001127244.2); short protein forms I33V.
Identifiers: ClinVar variation 3697143 (VCV003697143.2).

ClinVar aggregate classification (germline): Uncertain significance (1 of 4 stars; one submission).

gnomAD v4.1: 9 of 1,614,082 alleles (0.00056%); highest among the groups gnomAD compares: East Asian, 0.0045%; no homozygotes.

Submission:

Labcorp Genetics (formerly Invitae), Labcorp
Classification: Uncertain significance. Last evaluated: 2024-12-07. Review status: criteria provided, single submitter. Criteria: Invitae Variant Classification Sherloc (09022015). Collection method: clinical testing. Allele origin: germline.
Comment: This sequence change replaces isoleucine, which is neutral and non-polar, with valine, which is neutral and non-polar, at codon 33 of the LRRC8A protein (p.Ile33Val). This variant is not present in population databases (gnomAD no frequency). This variant has not been reported in the literature in individuals affected with LRRC8A-related conditions. An algorithm developed to predict the effect of missense changes on protein structure and function (PolyPhen-2) suggests that this variant is likely to be tolerated. In summary, the available evidence is currently insufficient to determine the role of this variant in disease. Therefore, it has been classified as a Variant of Uncertain Significance.